The following is an entry in ClinVar:

NM_001009944.3(PKD1):c.1202-2A>T

Gene: PKD1 (polycystin 1, transient receptor potential channel interacting; minus strand). Cytogenetic location: 16p13.3.
Variant type: single nucleotide variant.
Coding change: c.1202-2A>T on transcript NM_001009944.3 (MANE Select); the canonical splice acceptor site of the intron before coding-DNA position 1202, A replaced by T.
Molecular consequence: splice acceptor variant.
Genome position (GRCh38, 1-based): chr16:2,117,674, T>A on the plus strand (A>T on the coding strand, the complement: PKD1 is on the minus strand). VCF-style: chr16-2117674-T-A. GRCh37 (hg19) VCF-style: chr16-2167675-T-A.
Other names: c.1202-2A>T (NM_000296.4).
Identifiers: ClinVar variation 974400 (VCV000974400.3), dbSNP rs2092662592, ClinGen allele CA394392914.

ClinVar aggregate classification (germline): Pathogenic. Review status: criteria provided, multiple submitters, no conflicts (2 of 4 stars). 3 submissions from 3 submitters: Pathogenic (2). 1 of the submissions does not count toward it. Last evaluated 2023-12-11.

Conditions:
Polycystic kidney disease, adult type (PKD1). Also called: POLYCYSTIC KIDNEY DISEASE, ADULT, TYPE I; Polycystic Kidney, Autosomal Dominant; POLYCYSTIC KIDNEY DISEASE 1 WITH OR WITHOUT POLYCYSTIC LIVER DISEASE; Polycystic Kidney Disease 1, Autosomal Dominant; Polycystic kidney disease 1; Polycystic kidney disease 1, severe. Identifiers: MedGen C3149841, MONDO:0008263, OMIM 173900.
Polycystic kidney disease. Also called: Polycystic kidney dysplasia; Kidney, Polycystic. Identifiers: MedGen C0022680, MeSH D007690, MONDO:0020642, HP:0000113.
PKD1-related disorder. Also called: PKD1-related condition.

Submissions (3):

Blueprint Genetics
Classification: Pathogenic for PKD1-related disorders. Last evaluated: 2023-12-11. Review status: criteria provided, single submitter. Criteria: ACMG Guidelines, 2015. Collection method: clinical testing. Allele origin: germline. Affected: yes. Observed: 1 variant allele.

Molecular Biology Laboratory, Fundació Puigvert
Classification: Pathogenic for Polycystic kidney disease, adult type. Last evaluated: 2020-02-01. Review status: criteria provided, single submitter. Criteria: ACMG Guidelines, 2015. Collection method: research. Allele origin: germline. Affected: yes. Study: KidneyPanel_2020.

Department of Pathology and Laboratory Medicine, Sinai Health System
Classification: Likely pathogenic for Polycystic Kidney disease. Review status: no assertion criteria provided. Collection method: clinical testing. Allele origin: unknown. Affected: yes. Study: The Canadian Open Genetics Repository (COGR). Not counted in ClinVar's aggregate classification.
Comment: The PKD1 c.1202-2A>T variant was not identified in the literature nor was it identified in the dbSNP, ClinVar, LOVD 3.0, ADPKD Mutation Database, or PKD1-LOVD databases. The variant was not identified in the following control databases: the Exome Aggregation Consortium (August 8th 2016) or the Genome Aggregation Database (Feb 27, 2017). The c.1202-2A>T variant is predicted to cause abnormal splicing because the nucleotide substitution occurs in the invariant region of the splice consensus sequence and 4 of 4 in silico or computational prediction software programs (SpliceSiteFinder, MaxEntScan, NNSPLICE, GeneSplicer) predict a greater than 10% difference in splicing. In summary, based on the above information, the clinical significance of this variant cannot be determined with certainty at this time although we would lean towards a more pathogenic role for this variant. This variant is classified as likely pathogenic.

Literature cited by the submitters: PubMed 33532864 (cited by Molecular Biology Laboratory, Fundació Puigvert).